The following is an entry in ClinVar:

ClinVar aggregate classification (germline): Uncertain significance (1 of 4 stars; one submission).

gnomAD v4.1: 50 of 1,613,960 alleles (0.0031%); highest among the groups gnomAD compares: African/African-American, 0.0053%; 1 homozygote.

Submission:

GeneDx
Classification: Uncertain significance. Last evaluated: 2024-05-08. Review status: criteria provided, single submitter. Criteria: GeneDx Variant Classification Process June 2021. Collection method: clinical testing. Allele origin: germline. Affected: yes.
Comment: Not observed at significant frequency in large population cohorts (gnomAD); In silico analysis indicates that this missense variant does not alter protein structure/function; Has not been previously published as pathogenic or benign to our knowledge

NM_144672.4(OTOA):c.2060A>G (p.Asn687Ser)

Gene: OTOA (otoancorin). Cytogenetic location: 16p12.2.
Variant type: single nucleotide variant.
Coding change: c.2060A>G on transcript NM_144672.4 (MANE Select); coding-DNA position 2060, A replaced by G.
Protein change: p.Asn687Ser; replaces asparagine 687 with serine.
Molecular consequence: missense variant.
Genome position (GRCh38, 1-based): chr16:21,728,284, A>G. VCF-style: chr16-21728284-A-G. GRCh37 (hg19) VCF-style: chr16-21739605-A-G.
Other names: c.1823A>G, p.Asn608Ser (NM_001161683.2); c.1088A>G, p.Asn363Ser (NM_170664.3); short protein forms N363S, N608S, N687S.
Identifiers: ClinVar variation 3375877 (VCV003375877.1).